The following is an entry in ClinVar:

NM_000361.3(THBD):c.15G>C (p.Leu5=)

Gene: THBD (thrombomodulin; minus strand). Cytogenetic location: 20p11.21.
Variant type: single nucleotide variant.
Coding change: c.15G>C on transcript NM_000361.3 (MANE Select); coding-DNA position 15, G replaced by C.
Protein change: p.Leu5=; no amino-acid change (leucine 5 retained).
Molecular consequence: synonymous variant.
Genome position (GRCh38, 1-based): chr20:23,049,490, C>G on the plus strand (G>C on the coding strand, the complement: THBD is on the minus strand). VCF-style: chr20-23049490-C-G. GRCh37 (hg19) VCF-style: chr20-23030127-C-G.
Identifiers: ClinVar variation 4724274 (VCV004724274.1).
Genomic context (GRCh38, chr20:23,049,490, plus strand): 5'-CGGCTGCGGCTCTGCGGGTGCGGGGAACCCCAGGCCGGCCAGGGCCAGCGCGCCAAGGAC[C>G]AGGACCCCAAGCATGTTACCCAGGCGCGCCGCGTGCAGGCGCCGGGGAAAGCGCGGGCAC-3'
Protein context (NP_000352.1, residues 1-15): MLGV[Leu5=]VLGALALAGL

ClinVar aggregate classification (germline): Uncertain significance (1 of 4 stars; one submission).

Submission:

Labcorp Genetics (formerly Invitae), Labcorp
Classification: Uncertain significance. Last evaluated: 2025-07-29. Review status: criteria provided, single submitter. Criteria: Invitae Variant Classification Sherloc (09022015). Collection method: clinical testing. Allele origin: germline.
Comment: This sequence change affects codon 5 of the THBD mRNA. It is a 'silent' change, meaning that it does not change the encoded amino acid sequence of the THBD protein. This variant is not present in population databases (gnomAD no frequency). This variant has not been reported in the literature in individuals affected with THBD-related conditions. In summary, the available evidence is currently insufficient to determine the role of this variant in disease. Therefore, it has been classified as a Variant of Uncertain Significance.